The following is an entry in ClinVar:

ClinVar aggregate classification (germline): Pathogenic/Likely pathogenic. Review status: criteria provided, multiple submitters, no conflicts (2 of 4 stars). 3 submissions from 3 submitters: Pathogenic (2); Likely pathogenic (1). Last evaluated 2025-05-19.

Conditions:
Wilson disease (WND). Also called: Wilson's disease. Identifiers: Orphanet 905, MedGen C0019202, MONDO:0010200, OMIM 277900. Disease mechanism: loss of function.

Submissions (3):

Myriad Genetics, Inc.
Classification: Pathogenic for Wilson disease. Last evaluated: 2025-05-19. Review status: criteria provided, single submitter. Criteria: Myriad Autosomal Dominant, Autosomal Recessive and X-Linked Classification Criteria (2023). Collection method: clinical testing. Allele origin: unknown.
Comment: NM_000053.3(ATP7B):c.542_543delAA(Q181Rfs*22) is expected to be pathogenic in the context of Wilson disease. This variant is predicted to lead to an abnormal or absent protein product due to the creation of a premature termination codon in ATP7B, a gene where loss-of-function variants are known to be pathogenic. Please note: this variant was assessed in the context of healthy population screening.

Labcorp Genetics (formerly Invitae), Labcorp
Classification: Pathogenic for Wilson disease. Last evaluated: 2024-06-20. Review status: criteria provided, single submitter. Criteria: Invitae Variant Classification Sherloc (09022015). Collection method: clinical testing. Allele origin: germline.
Comment: This sequence change creates a premature translational stop signal (p.Gln181Argfs*22) in the ATP7B gene. It is expected to result in an absent or disrupted protein product. Loss-of-function variants in ATP7B are known to be pathogenic (PMID: 10441329, 16283883). This variant is not present in population databases (gnomAD no frequency). This variant has not been reported in the literature in individuals affected with ATP7B-related conditions. For these reasons, this variant has been classified as Pathogenic.

Fulgent Genetics
Classification: Likely pathogenic for Wilson disease. Last evaluated: 2024-01-22. Review status: criteria provided, single submitter. Criteria: ACMG Guidelines, 2015. Collection method: clinical testing. Allele origin: germline.

Literature cited by the submitters: PubMed 10441329 (cited by Labcorp Genetics (formerly Invitae), Labcorp); PubMed 16283883 (cited by Labcorp Genetics (formerly Invitae), Labcorp).

NM_000053.4(ATP7B):c.542_543del (p.Gln181fs)

Gene: ATP7B (ATPase copper transporting beta; minus strand). Cytogenetic location: 13q14.3.
Variant type: Deletion.
Coding change: c.542_543del on transcript NM_000053.4 (MANE Select); coding-DNA positions 542 to 543, 2 bases deleted (AA; older notation c.542_543delAA).
Protein change: p.Gln181fs; shifts the reading frame from glutamine 181.
Molecular consequence: frameshift variant.
Genome position (GRCh38, 1-based): chr13:51,974,677-51,974,678, TT deleted on the plus strand (AA on the coding strand, the reverse complement: ATP7B is on the minus strand). VCF-style (leftmost placement, unchanged base first): chr13-51974676-CTT-C. GRCh37 (hg19) VCF-style: chr13-52548812-CTT-C.
Other names: c.542_543del, p.Gln181fs (NM_001005918.3, NM_001243182.2, NM_001330578.2 and 30 more transcripts); c.446_447del, p.Gln149fs (NM_001406517.1, NM_001406518.1, NM_001406530.1 and 4 more transcripts); short protein forms Q181fs, Q149fs.
Identifiers: ClinVar variation 3576325 (VCV003576325.4).